The following is an entry in ClinVar:

ClinVar aggregate classification (germline): Uncertain significance (1 of 4 stars; one submission).

Allele frequency attached by ClinVar (database versions not stated): gnomAD exomes below 0.00001; ExAC 0.00001; TOPMed 0.00001.
gnomAD v4.1: 5 of 1,611,028 alleles (0.00031%); highest among the groups gnomAD compares: Admixed American, 0.0017%; no homozygotes.

Submission:

Labcorp Genetics (formerly Invitae), Labcorp
Classification: Uncertain significance. Last evaluated: 2022-07-15. Review status: criteria provided, single submitter. Criteria: Invitae Variant Classification Sherloc (09022015). Collection method: clinical testing. Allele origin: germline.
Comment: In summary, the available evidence is currently insufficient to determine the role of this variant in disease. Therefore, it has been classified as a Variant of Uncertain Significance. This sequence change replaces alanine, which is neutral and non-polar, with threonine, which is neutral and polar, at codon 3583 of the LAMA5 protein (p.Ala3583Thr). The frequency data for this variant in the population databases is considered unreliable, as metrics indicate poor data quality at this position in the gnomAD database. This variant has not been reported in the literature in individuals affected with LAMA5-related conditions. Algorithms developed to predict the effect of missense changes on protein structure and function (SIFT, PolyPhen-2, Align-GVGD) all suggest that this variant is likely to be tolerated.

NM_005560.6(LAMA5):c.10747G>A (p.Ala3583Thr)

Gene: LAMA5 (laminin subunit alpha 5; minus strand). Cytogenetic location: 20q13.33.
Variant type: single nucleotide variant.
Coding change: c.10747G>A on transcript NM_005560.6 (MANE Select); coding-DNA position 10747, G replaced by A.
Protein change: p.Ala3583Thr; replaces alanine 3583 with threonine.
Molecular consequence: missense variant.
Genome position (GRCh38, 1-based): chr20:62,310,069, C>T on the plus strand (G>A on the coding strand, the complement: LAMA5 is on the minus strand). VCF-style: chr20-62310069-C-T. GRCh37 (hg19) VCF-style: chr20-60885125-C-T.
Other names: short protein forms A3583T.
Identifiers: ClinVar variation 2058882 (VCV002058882.4), dbSNP rs764045430, ClinGen allele CA9939634.
Genomic context (GRCh38, chr20:62,310,069, plus strand): 5'-CATCACACAGCACTGAGGGGCGGGTCACTGACGTGGAGAACTCCCCTGCTCCGTCATCCG[C>T]CCGCAGCAGGACCTGGCGGGGTAGGAAGGGAGGGTCAGGCTATGCCCCCGAGGTCACCAG-3'
Protein context (NP_005551.3, residues 3573-3593): QVTEKQVLLR[Ala3583Thr]DDGAGEFSTS